The following is an entry in ClinVar:

NM_014845.6(FIG4):c.1327A>G (p.Lys443Glu)

Gene: FIG4 (FIG4 phosphoinositide 5-phosphatase; plus strand). Cytogenetic location: 6q21.
Variant type: single nucleotide variant.
Coding change: c.1327A>G on transcript NM_014845.6 (MANE Select); coding-DNA position 1327, A replaced by G.
Protein change: p.Lys443Glu; replaces lysine 443 with glutamic acid.
Molecular consequence: missense variant.
Genome position (GRCh38, 1-based): chr6:109,762,146, A>G. VCF-style: chr6-109762146-A-G. GRCh37 (hg19) VCF-style: chr6-110083349-A-G.
Other names: short protein forms K443E.
Identifiers: ClinVar variation 1770029 (VCV001770029.2), dbSNP rs2128391439, ClinGen allele CA365226195.

ClinVar aggregate classification (germline): Uncertain significance (1 of 4 stars; one submission).

Conditions:
Inborn genetic diseases. Identifiers: MedGen C0950123, MeSH D030342.

Allele frequency attached by ClinVar (database versions not stated): gnomAD exomes below 0.00001.
gnomAD v4.1: 1 of 1,613,942 alleles (0.000062%); highest among the groups gnomAD compares: Non-Finnish European, 0.000085%; no homozygotes.

Submission:

Ambry Genetics
Classification: Uncertain significance for Inborn genetic diseases. Last evaluated: 2022-06-12. Review status: criteria provided, single submitter. Criteria: Ambry Variant Classification Scheme 2023. Collection method: clinical testing. Allele origin: germline.
Comment: The p.K443E variant (also known as c.1327A>G), located in coding exon 12 of the FIG4 gene, results from an A to G substitution at nucleotide position 1327. The lysine at codon 443 is replaced by glutamic acid, an amino acid with similar properties. This amino acid position is conserved. In addition, this alteration is predicted to be tolerated by in silico analysis. Since supporting evidence is limited at this time, the clinical significance of this alteration remains unclear.